The following is an entry in ClinVar:

NM_003060.4(SLC22A5):c.1229G>A (p.Gly410Asp)

Gene: SLC22A5 (solute carrier family 22 member 5; plus strand). Cytogenetic location: 5q31.1.
Variant type: single nucleotide variant.
Coding change: c.1229G>A on transcript NM_003060.4 (MANE Select); coding-DNA position 1229, G replaced by A.
Protein change: p.Gly410Asp; replaces glycine 410 with aspartic acid.
Molecular consequence: missense variant.
Genome position (GRCh38, 1-based): chr5:132,390,866, G>A. VCF-style: chr5-132390866-G-A. GRCh37 (hg19) VCF-style: chr5-131726558-G-A.
Other names: p.Gly410Asp; c.1301G>A, p.Gly434Asp (NM_001308122.2); short protein forms G410D, G434D.
Identifiers: ClinVar variation 288728 (VCV000288728.25), dbSNP rs200125400, ClinGen allele CA3404102.

ClinVar aggregate classification (germline): Conflicting classifications of pathogenicity. Review status: criteria provided, conflicting classifications (1 of 4 stars). 8 submissions from 8 submitters: Uncertain significance (7); Likely benign (1). Last evaluated 2025-12-19.

Conditions:
Inborn genetic diseases. Identifiers: MedGen C0950123, MeSH D030342.
Renal carnitine transport defect (CDSP). Also called: Carnitine transporter deficiency; Primary carnitine deficiency; CARNITINE DEFICIENCY, SYSTEMIC, DUE TO DEFECT IN RENAL REABSORPTION OF CARNITINE; CARNITINE TRANSPORTER, PLASMA-MEMBRANE, DEFICIENCY OF; CARNITINE UPTAKE DEFECT; Systemic primary carnitine deficiency. Identifiers: Orphanet 158, MedGen C0342788, MONDO:0008919, OMIM 212140.

Allele frequency attached by ClinVar (database versions not stated): gnomAD 0.00003; gnomAD exomes 0.00003 and 0.00019; TOPMed 0.00010; ExAC 0.00023; 1000 Genomes Project 30x 0.00031; 1000 Genomes Project 0.00040.
gnomAD v4.1: 50 of 1,614,202 alleles (0.0031%); highest among the groups gnomAD compares: East Asian, 0.1%; no homozygotes.

Submissions (8):

Labcorp Genetics (formerly Invitae), Labcorp
Classification: Likely benign for Renal carnitine transport defect. Last evaluated: 2025-12-19. Review status: criteria provided, single submitter. Criteria: Invitae Variant Classification Sherloc (09022015). Collection method: clinical testing. Allele origin: germline.

Myriad Genetics, Inc.
Classification: Uncertain significance for Renal carnitine transport defect. Last evaluated: 2025-08-28. Review status: criteria provided, single submitter. Criteria: Myriad Autosomal Dominant, Autosomal Recessive and X-Linked Classification Criteria (2023). Collection method: clinical testing. Allele origin: unknown.
Comment: NM_003060.3(SLC22A5):c.1229G>A(G410D) is a missense variant classified as a variant of uncertain significance in the context of primary carnitine deficiency. G410D has been observed in cases with relevant disease (PMID: 40069787, 33268576). Relevant functional assessments of this variant are not available in the literature. G410D has been observed in referenced population frequency databases. In summary, there is insufficient evidence to classify NM_003060.3(SLC22A5):c.1229G>A(G410D) as pathogenic or benign. Please note: this variant was assessed in the context of healthy population screening.

Ambry Genetics
Classification: Uncertain significance for Inborn genetic diseases. Last evaluated: 2025-01-24. Review status: criteria provided, single submitter. Criteria: Ambry Variant Classification Scheme 2023. Collection method: clinical testing. Allele origin: germline.

Blueprint Genetics
Classification: Uncertain significance. Last evaluated: 2024-10-11. Review status: criteria provided, single submitter. Criteria: ACMG Guidelines, 2015. Collection method: clinical testing. Allele origin: germline.

Mayo Clinic Laboratories, Mayo Clinic
Classification: Uncertain significance. Last evaluated: 2023-12-12. Review status: criteria provided, single submitter. Criteria: ACMG Guidelines, 2015. Collection method: clinical testing. Allele origin: germline. Observed: 4 variant alleles.
Comment: PP3

Genome-Nilou Lab
Classification: Uncertain significance for Renal carnitine transport defect. Last evaluated: 2021-07-15. Review status: criteria provided, single submitter. Criteria: ACMG Guidelines, 2015. Collection method: clinical testing. Allele origin: germline. Affected: no.

Eurofins Ntd Llc (ga)
Classification: Uncertain significance. Last evaluated: 2016-06-10. Review status: criteria provided, single submitter. Criteria: EGL Classification Definitions 2015. Collection method: clinical testing. Allele origin: germline. Observed: 1 variant allele, 1 heterozygote.

Juno Genomics, Hangzhou Juno Genomics, Inc
Classification: Uncertain significance for Renal carnitine transport defect. Review status: criteria provided, single submitter. Criteria: ACMG Guidelines, 2015. Collection method: clinical testing. Allele origin: germline. Affected: yes.
Comment: Absent from controls (or at extremely low frequency if recessive) in Genome Aggregation Database, Exome Sequencing Project, 1000 Genomes Project, or Exome Aggregation Consortium.;Multiple lines of computational evidence support a deleterious effect on the gene or gene product (conservation, evolutionary, splicing impact, etc).;For recessive disorders, detected in trans with a pathogenic variant.

Literature cited by the submitters: PubMed 33268576 (cited by Myriad Genetics, Inc.); PubMed 40069787 (cited by Myriad Genetics, Inc.).